The following is an entry in ClinVar:

ClinVar aggregate classification (germline): Uncertain significance (1 of 4 stars; one submission).

Allele frequency attached by ClinVar (database versions not stated): gnomAD exomes below 0.00001.
gnomAD v4.1: 1 of 1,614,228 alleles (0.000062%); highest among the groups gnomAD compares: Admixed American, 0.0017%; no homozygotes.

Submission:

Laboratory for Molecular Medicine, Mass General Brigham Personalized Medicine
Classification: Uncertain significance. Last evaluated: 2012-07-07. Review status: criteria provided, single submitter. Criteria: LMM Criteria. Collection method: clinical testing. Allele origin: germline. Observed: 2 variant alleles.
Comment: The Met246Val variant in ACTN2 has not been previously reported in the literatur e nor been identified in large and broad populations screened by the NHLBI Exome sequencing project. Computational analyses (biochemical amino acid prope rties, conservation, PolyPhen2, and SIFT) suggest that the Met246Val variant may impact the normal function of the protein, though this information is not predi ctive enough to determine pathogenicity. Additional information is needed to ful ly assess the clinical significance of the Met246Val variant.

NM_001103.4(ACTN2):c.736A>G (p.Met246Val)

Gene: ACTN2 (actinin alpha 2; plus strand). Cytogenetic location: 1q43.
Variant type: single nucleotide variant.
Coding change: c.736A>G on transcript NM_001103.4 (MANE Select); coding-DNA position 736, A replaced by G.
Protein change: p.Met246Val; replaces methionine 246 with valine.
Molecular consequence: missense variant. On other transcripts: initiator codon variant (1), intron variant (1).
Genome position (GRCh38, 1-based): chr1:236,735,673, A>G. VCF-style: chr1-236735673-A-G. GRCh37 (hg19) VCF-style: chr1-236898973-A-G.
Other names: c.1A>G, p.Met1Val (NM_001278344.2); c.783+1155A>G (NM_001278343.2); short protein forms M246V, M1V.
Identifiers: ClinVar variation 43944 (VCV000043944.5), dbSNP rs397516582, ClinGen allele CA133212.
Genomic context (GRCh38, chr1:236,735,673, plus strand): 5'-GTGTTATTTTCTCCCCCTTCAGACATCGTGAACACCCCTAAACCCGATGAAAGAGCCATC[A>G]TGACGTACGTCTCTTGCTTCTACCACGCTTTTGCGGGCGCGGAGCAGGTACTCAACACTT-3'
Protein context (NP_001094.1, residues 236-256): NTPKPDERAI[Met246Val]TYVSCFYHAF